The following is an entry in ClinVar:

NM_024408.4(NOTCH2):c.7269C>A (p.Asp2423Glu)

Gene: NOTCH2 (notch receptor 2; minus strand). Cytogenetic location: 1p12.
Variant type: single nucleotide variant.
Coding change: c.7269C>A on transcript NM_024408.4 (MANE Select); coding-DNA position 7269, C replaced by A.
Protein change: p.Asp2423Glu; replaces aspartic acid 2423 with glutamic acid.
Molecular consequence: missense variant.
Genome position (GRCh38, 1-based): chr1:119,915,453, G>T on the plus strand (C>A on the coding strand, the complement: NOTCH2 is on the minus strand). VCF-style: chr1-119915453-G-T. GRCh37 (hg19) VCF-style: chr1-120458076-G-T.
Other names: short protein forms D2423E.
Identifiers: ClinVar variation 1930385 (VCV001930385.5), dbSNP rs2526102769, ClinGen allele CA341872246.

ClinVar aggregate classification (germline): Uncertain significance (1 of 4 stars; one submission).

Conditions:
Hajdu-Cheney syndrome (HJCYS). Also called: Acroosteolysis dominant type; ACROOSTEOLYSIS WITH OSTEOPOROSIS AND CHANGES IN SKULL AND MANDIBLE; SERPENTINE FIBULA-POLYCYSTIC KIDNEY SYNDROME. Identifiers: Orphanet 955, MedGen C0917715, MONDO:0007057, OMIM 102500.

Submission:

Labcorp Genetics (formerly Invitae), Labcorp
Classification: Uncertain significance for Hajdu-Cheney syndrome. Last evaluated: 2022-09-01. Review status: criteria provided, single submitter. Criteria: Invitae Variant Classification Sherloc (09022015). Collection method: clinical testing. Allele origin: germline.
Comment: This variant is not present in population databases (gnomAD no frequency). This sequence change replaces aspartic acid, which is acidic and polar, with glutamic acid, which is acidic and polar, at codon 2423 of the NOTCH2 protein (p.Asp2423Glu). This variant has not been reported in the literature in individuals affected with NOTCH2-related conditions. In summary, the available evidence is currently insufficient to determine the role of this variant in disease. Therefore, it has been classified as a Variant of Uncertain Significance. Advanced modeling of protein sequence and biophysical properties (such as structural, functional, and spatial information, amino acid conservation, physicochemical variation, residue mobility, and thermodynamic stability) performed at Invitae indicates that this missense variant is not expected to disrupt NOTCH2 protein function.